The following is an entry in ClinVar:

ClinVar aggregate classification (germline): Uncertain significance (1 of 4 stars; one submission).

Submission:

Mayo Clinic Laboratories, Mayo Clinic
Classification: Uncertain significance. Last evaluated: 2023-03-31. Review status: criteria provided, single submitter. Criteria: ACMG Guidelines, 2015. Collection method: clinical testing. Allele origin: germline. Observed: 1 variant allele.
Comment: BP4, PM2

NM_015378.4(VPS13D):c.6728A>C (p.Lys2243Thr)

Gene: VPS13D (vacuolar protein sorting 13 homolog D; plus strand). Cytogenetic location: 1p36.22.
Variant type: single nucleotide variant.
Coding change: c.6728A>C on transcript NM_015378.4 (MANE Select); coding-DNA position 6728, A replaced by C.
Protein change: p.Lys2243Thr; replaces lysine 2243 with threonine.
Molecular consequence: missense variant.
Genome position (GRCh38, 1-based): chr1:12,311,531, A>C. VCF-style: chr1-12311531-A-C. GRCh37 (hg19) VCF-style: chr1-12371588-A-C.
Other names: p.Lys2243Thr; c.6728A>C, p.Lys2243Thr (NM_018156.4); short protein forms K2243T.
Identifiers: ClinVar variation 2683699 (VCV002683699.1), dbSNP rs2524187081, ClinGen allele CA338491518.
Genomic context (GRCh38, chr1:12,311,531, plus strand): 5'-TGCCAGACATATCTATCCATGGCAATCTCTCCTCAGTCCACTGCTCTCTGGATCTGTATA[A>C]ATACAAGCTGATCCGCGGCTTATTAGAGAACAACCTGGGAGAACCCATAGAGGAATTTAT-3'
Protein context (NP_056193.2, residues 2233-2253): SSVHCSLDLY[Lys2243Thr]YKLIRGLLEN